The following is an entry in ClinVar:

ClinVar aggregate classification (germline): Pathogenic (1 of 4 stars; one submission).

Conditions:
Neurofibromatosis, type 1 (NF1). Also called: VON RECKLINGHAUSEN DISEASE; Peripheral type neurofibromatosis; NEUROFIBROMATOSIS, TYPE I, SOMATIC; Neurofibromatosis, type I. Identifiers: Orphanet 636, MedGen C0027831, MONDO:0018975, OMIM 162200. Disease mechanism: loss of function.

Submission:

Labcorp Genetics (formerly Invitae), Labcorp
Classification: Pathogenic for Neurofibromatosis, type 1. Last evaluated: 2020-10-09. Review status: criteria provided, single submitter. Criteria: Invitae Variant Classification Sherloc (09022015). Collection method: clinical testing. Allele origin: germline.
Comment: For these reasons, this variant has been classified as Pathogenic. Loss-of-function variants in NF1 are known to be pathogenic (PMID: 10712197, 23913538). This variant has not been reported in the literature in individuals with NF1-related conditions. This variant is not present in population databases (ExAC no frequency). This sequence change creates a premature translational stop signal (p.His729Serfs*3) in the NF1 gene. It is expected to result in an absent or disrupted protein product.

Literature cited by the submitters: PubMed 10712197; PubMed 23913538.

NM_001042492.3(NF1):c.2174_2177dup (p.His729fs)

Gene: NF1 (neurofibromin 1; plus strand). Cytogenetic location: 17q11.2.
Variant type: Duplication.
Coding change: c.2174_2177dup on transcript NM_001042492.3 (MANE Select); coding-DNA positions 2174 to 2177, 4 bases duplicated (AAGT; older notation c.2174_2177dupAAGT).
Protein change: p.His729fs; shifts the reading frame from histidine 729.
Molecular consequence: frameshift variant.
Genome position (GRCh38, 1-based): chr17:31,226,607-31,226,610, AAGT duplicated. VCF-style (leftmost placement, unchanged base first): chr17-31226606-G-GAAGT. GRCh37 (hg19) VCF-style: chr17-29553624-G-GAAGT.
Other names: c.2174_2177dup, p.His729Serfs (NM_000267.4); short protein forms H729fs.
Identifiers: ClinVar variation 1071683 (VCV001071683.5), dbSNP rs2151425977, ClinGen allele CA2499224047.
Genomic context (GRCh38, chr17:31,226,606, plus strand): 5'-GTTGCCATGTCCTGTTTCCGCCACCTCTGTGAGGAAGCAGATATCCGGTGTGGGGTGGAT[G>GAAGT]AAGTGTCAGTGCATAACCTCTTGCCCAACTATAACACATTCATGGAGTTTGCCTCTGTCA-3'